The following is an entry in ClinVar:

ClinVar aggregate classification (germline): Uncertain significance (1 of 4 stars; one submission).

Allele frequency attached by ClinVar (database versions not stated): gnomAD exomes 0.00001 and 0.00002; ExAC 0.00002.
gnomAD v4.1: 5 of 1,611,618 alleles (0.00031%); highest among the groups gnomAD compares: Admixed American, 0.0067%; no homozygotes.

Submission:

Labcorp Genetics (formerly Invitae), Labcorp
Classification: Uncertain significance. Last evaluated: 2022-07-06. Review status: criteria provided, single submitter. Criteria: Invitae Variant Classification Sherloc (09022015). Collection method: clinical testing. Allele origin: germline.
Comment: In summary, the available evidence is currently insufficient to determine the role of this variant in disease. Therefore, it has been classified as a Variant of Uncertain Significance. Algorithms developed to predict the effect of missense changes on protein structure and function are either unavailable or do not agree on the potential impact of this missense change (SIFT: "Deleterious"; PolyPhen-2: "Probably Damaging"; Align-GVGD: "Class C0"). ClinVar contains an entry for this variant (Variation ID: 1472438). This variant has not been reported in the literature in individuals affected with TTLL5-related conditions. This variant is present in population databases (rs761251852, gnomAD 0.01%). This sequence change replaces valine, which is neutral and non-polar, with methionine, which is neutral and non-polar, at codon 287 of the TTLL5 protein (p.Val287Met).

NM_015072.5(TTLL5):c.859G>A (p.Val287Met)

Gene: TTLL5 (tubulin tyrosine ligase like 5; plus strand). Cytogenetic location: 14q24.3.
Variant type: single nucleotide variant.
Coding change: c.859G>A on transcript NM_015072.5 (MANE Select); coding-DNA position 859, G replaced by A.
Protein change: p.Val287Met; replaces valine 287 with methionine.
Molecular consequence: missense variant.
Genome position (GRCh38, 1-based): chr14:75,719,751, G>A. VCF-style: chr14-75719751-G-A. GRCh37 (hg19) VCF-style: chr14-76186094-G-A.
Other names: short protein forms V287M.
Identifiers: ClinVar variation 1472438 (VCV001472438.8), dbSNP rs761251852, ClinGen allele CA7279140.
Genomic context (GRCh38, chr14:75,719,751, plus strand): 5'-AAGCCTAGTTACATATGTGACTTTGATTTATTAATTTGTTTTAGTTGTGACGATCCAGAA[G>A]TGGAGGATTATGGAAACAAATGGAGCATGAGTGCTATGCTTAGGTACCTGAAACAAGAAG-3'
Protein context (NP_055887.3, residues 277-297): GDYVSCDDPE[Val287Met]EDYGNKWSMS